The following is an entry in ClinVar:

ClinVar aggregate classification (germline): Uncertain significance (1 of 4 stars; one submission).

Conditions:
Inflammatory bowel disease 28. Also called: Inflammatory bowel disease 28, early onset, autosomal recessive. Identifiers: Orphanet 238569, MedGen C2751053, MONDO:0013153, OMIM 613148.

Allele frequency attached by ClinVar (database versions not stated): gnomAD exomes below 0.00001.
gnomAD v4.1: 2 of 1,614,196 alleles (0.00012%); no homozygotes.

Submission:

Labcorp Genetics (formerly Invitae), Labcorp
Classification: Uncertain significance for Inflammatory bowel disease 28. Last evaluated: 2023-08-04. Review status: criteria provided, single submitter. Criteria: Invitae Variant Classification Sherloc (09022015). Collection method: clinical testing. Allele origin: germline.
Comment: In summary, the available evidence is currently insufficient to determine the role of this variant in disease. Therefore, it has been classified as a Variant of Uncertain Significance. Advanced modeling of protein sequence and biophysical properties (such as structural, functional, and spatial information, amino acid conservation, physicochemical variation, residue mobility, and thermodynamic stability) performed at Invitae indicates that this missense variant is expected to disrupt IL10RA protein function. ClinVar contains an entry for this variant (Variation ID: 1348849). This variant has not been reported in the literature in individuals affected with IL10RA-related conditions. This variant is present in population databases (no rsID available, gnomAD no frequency). This sequence change replaces leucine, which is neutral and non-polar, with methionine, which is neutral and non-polar, at codon 308 of the IL10RA protein (p.Leu308Met).

NM_001558.4(IL10RA):c.922C>A (p.Leu308Met)

Gene: IL10RA (interleukin 10 receptor subunit alpha; plus strand). Cytogenetic location: 11q23.3.
Variant type: single nucleotide variant.
Coding change: c.922C>A on transcript NM_001558.4 (MANE Select); coding-DNA position 922, C replaced by A.
Protein change: p.Leu308Met; replaces leucine 308 with methionine.
Molecular consequence: missense variant. On other transcripts: non-coding transcript variant (1).
Genome position (GRCh38, 1-based): chr11:117,998,826, C>A. VCF-style: chr11-117998826-C-A. GRCh37 (hg19) VCF-style: chr11-117869541-C-A.
Other names: short protein forms L308M.
Identifiers: ClinVar variation 1348849 (VCV001348849.5), dbSNP rs1213121269, ClinGen allele CA382779101.